The following is an entry in ClinVar:

NM_020975.6(RET):c.2647G>A (p.Ala883Thr)

Gene: RET (ret proto-oncogene; plus strand). Cytogenetic location: 10q11.21.
Variant type: single nucleotide variant.
Coding change: c.2647G>A on transcript NM_020975.6 (MANE Select); coding-DNA position 2647, G replaced by A.
Protein change: p.Ala883Thr; replaces alanine 883 with threonine.
Molecular consequence: missense variant.
Genome position (GRCh38, 1-based): chr10:43,120,120, G>A. VCF-style: chr10-43120120-G-A. GRCh37 (hg19) VCF-style: chr10-43615568-G-A.
Other names: c.2647G>A, p.Ala883Thr (NM_000323.2, NM_001406743.1, NM_001406744.1 and 4 more transcripts); c.1885G>A, p.Ala629Thr (NM_001355216.2); c.2518G>A, p.Ala840Thr (NM_001406761.1, NM_001406762.1, NM_001406764.1); c.2512G>A, p.Ala838Thr (NM_001406763.1, NM_001406765.1); c.2359G>A, p.Ala787Thr (NM_001406766.1, NM_001406767.1, NM_001406770.1); c.2383G>A, p.Ala795Thr (NM_001406768.1); c.2251G>A, p.Ala751Thr (NM_001406769.1, NM_001406772.1); c.2209G>A, p.Ala737Thr (NM_001406771.1, NM_001406773.1); and 10 more; short protein forms A629T, A400T, A448T, A541T, A544T, A751T, A795T, A488T.
Identifiers: ClinVar variation 24958 (VCV000024958.13), dbSNP rs377767428, ClinGen allele CA008975.

ClinVar aggregate classification (germline): Uncertain significance. Review status: criteria provided, multiple submitters, no conflicts (2 of 4 stars). 3 submissions from 3 submitters: Uncertain significance (3). Last evaluated 2025-11-09.

Conditions:
Hereditary cancer-predisposing syndrome. Also called: Neoplastic Syndromes, Hereditary; Tumor predisposition; Hereditary Cancer Syndrome; Hereditary neoplastic syndrome. Identifiers: Orphanet 140162, MedGen C0027672, MeSH D009386, MONDO:0015356.
Multiple endocrine neoplasia, type 2 (MEN2). Identifiers: Orphanet 653, MedGen C4048306, MONDO:0019003. Disease mechanism: gain of function.

gnomAD v4.1: 1 of 1,614,056 alleles (0.000062%); highest among the groups gnomAD compares: East Asian, 0.0022%; no homozygotes.

Submissions (3):

Labcorp Genetics (formerly Invitae), Labcorp
Classification: Uncertain significance for Multiple endocrine neoplasia, type 2. Last evaluated: 2025-11-09. Review status: criteria provided, single submitter. Criteria: Invitae Variant Classification Sherloc (09022015). Collection method: clinical testing. Allele origin: germline.
Comment: This sequence change replaces alanine, which is neutral and non-polar, with threonine, which is neutral and polar, at codon 883 of the RET protein (p.Ala883Thr). This variant is not present in population databases (gnomAD no frequency). This missense change has been observed in individual(s) with medullary thyroid carcinoma (PMID: 15531548, 25440022, 28946813, 31510104). ClinVar contains an entry for this variant (Variation ID: 24958). An algorithm developed to predict the effect of missense changes on protein structure and function (PolyPhen-2) suggests that this variant is likely to be disruptive. Experimental studies are conflicting or provide insufficient evidence to determine the effect of this variant on RET function (PMID: 21810974). This variant disrupts the p.Ala883 amino acid residue in RET. Other variant(s) that disrupt this residue have been determined to be pathogenic (PMID: 9294615, 10679286, 21186952, 25244518, 28323957). This suggests that this residue is clinically significant, and that variants that disrupt this residue are likely to be disease-causing. In summary, the available evidence is currently insufficient to determine the role of this variant in disease. Therefore, it has been classified as a Variant of Uncertain Significance.

Ambry Genetics
Classification: Uncertain significance for Hereditary cancer-predisposing syndrome. Last evaluated: 2024-06-17. Review status: criteria provided, single submitter. Criteria: Ambry Variant Classification Scheme 2023. Collection method: clinical testing. Allele origin: germline.
Comment: The p.A883T variant (also known as c.2647G>A), located in coding exon 15 of the RET gene, results from a G to A substitution at nucleotide position 2647. The alanine at codon 883 is replaced by threonine, an amino acid with similar properties. Studies of familial MTC, as well as apparently sporadic MTC cases, have identified this variant (Romei C et al. Eur. J. Endocrinol. 2010 Aug;163:301-8; Romei C et al. Clin. Endocrinol. (Oxf). 2015 Jun;82:892-9; Lebeault M et al. Thyroid. 2017 12;27:1511-1522; Romei C et al. Oncotarget. 2018 Feb;9:9875-9884). In vitro assays analyzing the transforming activity of RET variants, found that this variant had an intermediate number of focus formation units, therefore described as having low or non-transforming potential (Cosci B et al. Endocr. Relat. Cancer. 2011 Oct;18:603-12). This amino acid position is highly conserved in available vertebrate species. In addition, this alteration is predicted to be deleterious by in silico analysis. Based on the available evidence, the clinical significance of this variant remains unclear.

All of Us Research Program, National Institutes of Health
Classification: Uncertain significance for Multiple endocrine neoplasia, type 2. Last evaluated: 2023-03-09. Review status: criteria provided, single submitter. Criteria: ACMG Guidelines, 2015. Collection method: clinical testing. Allele origin: germline. Inheritance: Autosomal dominant inheritance. Observed: 1 variant allele, 1 heterozygote.
Comment: This missense variant replaces alanine with threonine at codon 883 of the RET protein. Computational prediction suggests that this variant may have deleterious impact on protein structure and function (internally defined REVEL score threshold >= 0.7, PMID: 27666373). A functional study has reported that this variant has low transforming activity based on focal formation, soft-agar growth and growth rate assays in ex vivo cells (PMID: 21810974). This variant has been reported in four individuals from three families affected with medullary thyroid cancer that include two unrelated heterozygous carriers (PMID: 28946813, 29515777, 31510104) and two siblings from a consanguineous family who are homozygous for this variant (PMID: 15531548, 31510104). At least three heterozygous carriers from this consanguineous family who are older than the affected siblings are asymptomatic for thyroid-related disease (PMID: 15531548). This variant has not been identified in the general population by the Genome Aggregation Database (gnomAD). The available evidence is insufficient to determine the role of this variant in disease conclusively. Therefore, this variant is classified as a Variant of Uncertain Significance.

This study involves interpretation of variants in research participants for the purpose of population health screening. Participant phenotype was not available at the time of variant classification. Additional details can be found in publication PMID: 35346344, PMCID: PMC8962531

Literature cited by the submitters: PubMed 15531548 (cited by 3 submitters); PubMed 25440022 (cited by Labcorp Genetics (formerly Invitae), Labcorp and Ambry Genetics); PubMed 28946813 (cited by 3 submitters); PubMed 31510104 (cited by Labcorp Genetics (formerly Invitae), Labcorp and All of Us Research Program, National Institutes of Health); PubMed 21810974 (cited by 3 submitters); PubMed 9294615 (cited by Labcorp Genetics (formerly Invitae), Labcorp); PubMed 10679286 (cited by Labcorp Genetics (formerly Invitae), Labcorp); PubMed 21186952 (cited by Labcorp Genetics (formerly Invitae), Labcorp); PubMed 25244518 (cited by Labcorp Genetics (formerly Invitae), Labcorp); PubMed 28323957 (cited by Labcorp Genetics (formerly Invitae), Labcorp); PubMed 20516206 (cited by Ambry Genetics); PubMed 29515777 (cited by Ambry Genetics and All of Us Research Program, National Institutes of Health).